The following is an entry in ClinVar:

NM_000222.3(KIT):c.712G>T (p.Val238Leu)

Gene: KIT (KIT proto-oncogene, receptor tyrosine kinase; plus strand). Cytogenetic location: 4q12.
Variant type: single nucleotide variant.
Coding change: c.712G>T on transcript NM_000222.3 (MANE Select); coding-DNA position 712, G replaced by T.
Protein change: p.Val238Leu; replaces valine 238 with leucine.
Molecular consequence: missense variant.
Genome position (GRCh38, 1-based): chr4:54,699,722, G>T. VCF-style: chr4-54699722-G-T. GRCh37 (hg19) VCF-style: chr4-55565888-G-T.
Other names: c.712G>T, p.Val238Leu (NM_001093772.2, NM_001385284.1, NM_001385285.1 and 4 more transcripts); short protein forms V238L.
Identifiers: ClinVar variation 2060687 (VCV002060687.4), dbSNP rs2109679354, ClinGen allele CA356898484.

ClinVar aggregate classification (germline): Uncertain significance (1 of 4 stars; one submission).

Conditions:
Gastrointestinal stromal tumor. Also called: Gastrointestinal stroma tumor; Gastrointestinal stromal tumor, somatic. Identifiers: Orphanet 44890, MedGen C0238198, MeSH D046152, MONDO:0011719, OMIM 606764, HP:0100723.

Submission:

Labcorp Genetics (formerly Invitae), Labcorp
Classification: Uncertain significance for Gastrointestinal stromal tumor. Last evaluated: 2022-05-14. Review status: criteria provided, single submitter. Criteria: Invitae Variant Classification Sherloc (09022015). Collection method: clinical testing. Allele origin: germline.
Comment: In summary, the available evidence is currently insufficient to determine the role of this variant in disease. Therefore, it has been classified as a Variant of Uncertain Significance. Algorithms developed to predict the effect of missense changes on protein structure and function (SIFT, PolyPhen-2, Align-GVGD) all suggest that this variant is likely to be disruptive. This variant has not been reported in the literature in individuals affected with KIT-related conditions. This variant is not present in population databases (gnomAD no frequency). This sequence change replaces valine, which is neutral and non-polar, with leucine, which is neutral and non-polar, at codon 238 of the KIT protein (p.Val238Leu).